The following is an entry in ClinVar:

NM_001232.4(CASQ2):c.640G>T (p.Val214Phe)

Gene: CASQ2 (calsequestrin 2; minus strand). Cytogenetic location: 1p13.1.
Variant type: single nucleotide variant.
Coding change: c.640G>T on transcript NM_001232.4 (MANE Select); coding-DNA position 640, G replaced by T.
Protein change: p.Val214Phe; replaces valine 214 with phenylalanine.
Molecular consequence: missense variant.
Genome position (GRCh38, 1-based): chr1:115,727,089, C>A on the plus strand (G>T on the coding strand, the complement: CASQ2 is on the minus strand). VCF-style: chr1-115727089-C-A. GRCh37 (hg19) VCF-style: chr1-116269710-C-A.
Other names: short protein forms V214F.
Identifiers: ClinVar variation 3221464 (VCV003221464.2), dbSNP rs766443119, ClinGen allele CA1023828.

ClinVar aggregate classification (germline): Uncertain significance. Review status: criteria provided, multiple submitters, no conflicts (2 of 4 stars). 2 submissions from 2 submitters: Uncertain significance (2). Last evaluated 2023-11-02.

Conditions:
Catecholaminergic polymorphic ventricular tachycardia 2. Also called: VENTRICULAR TACHYCARDIA, STRESS-INDUCED POLYMORPHIC 2; CASQ2-Related Catecholaminergic Polymorphic Ventricular Tachycardia. Identifiers: Orphanet 3286, MedGen C2677794, MONDO:0012762, OMIM 611938.
Cardiovascular phenotype. Identifiers: MedGen CN230736.

Allele frequency attached by ClinVar (database versions not stated): ExAC 0.00001; gnomAD 0.00001; gnomAD exomes 0.00002.
gnomAD v4.1: 31 of 1,612,964 alleles (0.0019%); highest among the groups gnomAD compares: Non-Finnish European, 0.0026%; no homozygotes.

Submissions (2):

Ambry Genetics
Classification: Uncertain significance for Cardiovascular phenotype. Last evaluated: 2023-11-02. Review status: criteria provided, single submitter. Criteria: Ambry Variant Classification Scheme 2023. Collection method: clinical testing. Allele origin: germline.
Comment: The p.V214F variant (also known as c.640G>T), located in coding exon 6 of the CASQ2 gene, results from a G to T substitution at nucleotide position 640. The valine at codon 214 is replaced by phenylalanine, an amino acid with highly similar properties. This amino acid position is highly conserved in available vertebrate species. In addition, this alteration is predicted to be deleterious by in silico analysis. Since supporting evidence is limited at this time, the clinical significance of this alteration remains unclear.

Victorian Clinical Genetics Services, Murdoch Childrens Research Institute
Classification: Uncertain significance for Catecholaminergic polymorphic ventricular tachycardia 2. Last evaluated: 2022-02-02. Review status: criteria provided, single submitter. Criteria: ACMG Guidelines, 2015. Collection method: clinical testing. Allele origin: germline. Inheritance: Autosomal recessive inheritance. Affected: yes.
Comment: Based on the classification scheme VCGS_Germline_v1.3.4, this variant is classified as VUS-3B. Following criteria are met: 0102 - Loss of function is a known mechanism of disease in this gene and is associated with catecholaminergic polymorphic ventricular tachycardia 2 (MIM#611938). (I) 0108 - This gene is associated with both recessive and dominant disease. There is definitive evidence for autosomal recessive CPVT and moderate evidence for autosomal dominant CPVT (ClinGen). (I) 0200 - Variant is predicted to result in a missense amino acid change from valine to phenylalanine. (I) 0251 - This variant is heterozygous. (I) 0304 - Variant is present in gnomAD (v2) <0.01 for a recessive condition (1 heterozygote, 0 homozygotes). (SP) 0309 - An alternative amino acid change at the same position has been observed in gnomAD (v2) (1 heterozygote, 0 homozygotes). (I) 0502 - Missense variant with conflicting in silico predictions and uninformative conservation. (I) 0604 - Variant is not located in an established domain, motif, hotspot or informative constraint region. (I) 0705 - No comparable missense variants have previous evidence for pathogenicity. (I) 0807 - This variant has no previous evidence of pathogenicity. (I) 0905 - No published segregation evidence has been identified for this variant. (I) 1007 - No published functional evidence has been identified for this variant. (I) 1208 - Inheritance information for this variant is not currently available in this individual. (I) Legend: (SP) - Supporting pathogenic, (I) - Information, (SB) - Supporting benign